The following is an entry in ClinVar:

NM_000245.4(MET):c.110T>G (p.Val37Gly)

Gene: MET (MET proto-oncogene, receptor tyrosine kinase; plus strand). Cytogenetic location: 7q31.2.
Variant type: single nucleotide variant.
Coding change: c.110T>G on transcript NM_000245.4 (MANE Select); coding-DNA position 110, T replaced by G.
Protein change: p.Val37Gly; replaces valine 37 with glycine.
Molecular consequence: missense variant. On other transcripts: intron variant (1).
Genome position (GRCh38, 1-based): chr7:116,699,194, T>G. VCF-style: chr7-116699194-T-G. GRCh37 (hg19) VCF-style: chr7-116339248-T-G.
Other names: c.110T>G, p.Val37Gly (NM_001127500.3, NM_001324401.3); c.-91+26617T>G (NM_001324402.2); short protein forms V37G.
Identifiers: ClinVar variation 1794865 (VCV001794865.2), dbSNP rs201315884, ClinGen allele CA368968363.
Genomic context (GRCh38, chr7:116,699,194, plus strand): 5'-CCTTGGTGCAGAGGAGCAATGGGGAGTGTAAAGAGGCACTAGCAAAGTCCGAGATGAATG[T>G]GAATATGAAGTATCAGCTTCCCAACTTCACCGCGGAAACACCCATCCAGAATGTCATTCT-3'
Protein context (NP_000236.2, residues 27-47): KEALAKSEMN[Val37Gly]NMKYQLPNFT

ClinVar aggregate classification (germline): Uncertain significance (1 of 4 stars; one submission).

Conditions:
Hereditary cancer-predisposing syndrome. Also called: Tumor predisposition; Hereditary Cancer Syndrome; Neoplastic Syndromes, Hereditary; Hereditary neoplastic syndrome. Identifiers: Orphanet 140162, MedGen C0027672, MeSH D009386, MONDO:0015356.

Submission:

Ambry Genetics
Classification: Uncertain significance for Hereditary cancer-predisposing syndrome. Last evaluated: 2022-10-22. Review status: criteria provided, single submitter. Criteria: Ambry Variant Classification Scheme 2023. Collection method: clinical testing. Allele origin: germline.
Comment: The p.V37G variant (also known as c.110T>G), located in coding exon 1 of the MET gene, results from a T to G substitution at nucleotide position 110. The valine at codon 37 is replaced by glycine, an amino acid with dissimilar properties. This amino acid position is conserved. In addition, the in silico prediction for this alteration is inconclusive. Since supporting evidence is limited at this time, the clinical significance of this alteration remains unclear.